The following is an entry in ClinVar:

ClinVar aggregate classification (germline): Uncertain significance (1 of 4 stars; one submission).

Submission:

GeneDx
Classification: Uncertain significance. Last evaluated: 2019-10-17. Review status: criteria provided, single submitter. Criteria: GeneDx Variant Classification Process June 2021. Collection method: clinical testing. Allele origin: germline. Affected: yes.
Comment: Not observed in large population cohorts (Lek et al., 2016); In silico analysis, which includes protein predictors and evolutionary conservation, supports that this variant does not alter protein structure/function; Has not been previously published as pathogenic or benign to our knowledge; A different missense change at this residue (A354P) has been reported the Human Gene Mutation Database (Stetson et al., 2014)

NM_000291.4(PGK1):c.1060G>A (p.Ala354Thr)

Gene: PGK1 (phosphoglycerate kinase 1; plus strand). Cytogenetic location: Xq21.1.
Variant type: single nucleotide variant.
Coding change: c.1060G>A on transcript NM_000291.4 (MANE Select); coding-DNA position 1060, G replaced by A.
Protein change: p.Ala354Thr; replaces alanine 354 with threonine.
Molecular consequence: missense variant.
Genome position (GRCh38, 1-based): chrX:78,124,997, G>A. VCF-style: chrX-78124997-G-A. GRCh37 (hg19) VCF-style: chrX-77380494-G-A.
Other names: short protein forms A354T.
Identifiers: ClinVar variation 1309481 (VCV001309481.2), dbSNP rs2149137048, ClinGen allele CA413717909.